The following is an entry in ClinVar:

ClinVar aggregate classification (germline): Uncertain significance (1 of 4 stars; one submission).

Submission:

Labcorp Genetics (formerly Invitae), Labcorp
Classification: Uncertain significance. Last evaluated: 2024-04-03. Review status: criteria provided, single submitter. Criteria: Invitae Variant Classification Sherloc (09022015). Collection method: clinical testing. Allele origin: germline.
Comment: This sequence change replaces isoleucine, which is neutral and non-polar, with asparagine, which is neutral and polar, at codon 56 of the CACNA1E protein (p.Ile56Asn). This variant is not present in population databases (gnomAD no frequency). This variant has not been reported in the literature in individuals affected with CACNA1E-related conditions. Advanced modeling of protein sequence and biophysical properties (such as structural, functional, and spatial information, amino acid conservation, physicochemical variation, residue mobility, and thermodynamic stability) has been performed at Invitae for this missense variant, however the output from this modeling did not meet the statistical confidence thresholds required to predict the impact of this variant on CACNA1E protein function. In summary, the available evidence is currently insufficient to determine the role of this variant in disease. Therefore, it has been classified as a Variant of Uncertain Significance.

NM_001205293.3(CACNA1E):c.167T>A (p.Ile56Asn)

Gene: CACNA1E (calcium voltage-gated channel subunit alpha1 E; plus strand). Cytogenetic location: 1q25.3.
Variant type: single nucleotide variant.
Coding change: c.167T>A on transcript NM_001205293.3 (MANE Select); coding-DNA position 167, T replaced by A.
Protein change: p.Ile56Asn; replaces isoleucine 56 with asparagine.
Molecular consequence: missense variant.
Genome position (GRCh38, 1-based): chr1:181,483,911, T>A. VCF-style: chr1-181483911-T-A. GRCh37 (hg19) VCF-style: chr1-181453047-T-A.
Other names: c.167T>A, p.Ile56Asn (NM_001205294.2, NM_000721.4); short protein forms I56N.
Identifiers: ClinVar variation 3633656 (VCV003633656.2).